The following is an entry in ClinVar:

NM_000388.4(CASR):c.1138A>G (p.Ser380Gly)

Gene: CASR (calcium sensing receptor; plus strand). Cytogenetic location: 3q21.1.
Variant type: single nucleotide variant.
Coding change: c.1138A>G on transcript NM_000388.4 (MANE Select); coding-DNA position 1138, A replaced by G.
Protein change: p.Ser380Gly; replaces serine 380 with glycine.
Molecular consequence: missense variant.
Genome position (GRCh38, 1-based): chr3:122,262,173, A>G. VCF-style: chr3-122262173-A-G. GRCh37 (hg19) VCF-style: chr3-121981020-A-G.
Other names: c.1138A>G, p.Ser380Gly (NM_001178065.2); short protein forms S380G.
Identifiers: ClinVar variation 960544 (VCV000960544.8), dbSNP rs2074634758, ClinGen allele CA354152671.

ClinVar aggregate classification (germline): Uncertain significance (1 of 4 stars; one submission).

Conditions:
Autosomal dominant hypocalcemia 1 (HYPOC1). Also called: HYPOCALCEMIA, FAMILIAL. Identifiers: MedGen C3715128, MONDO:0011013, OMIM 601198.
Familial hypocalciuric hypercalcemia (FHH). Also called: Familial benign hypercalcemia. Identifiers: Orphanet 405, MedGen C1809471, MONDO:0018458.

Allele frequency attached by ClinVar (database versions not stated): gnomAD exomes below 0.00001.
gnomAD v4.1: 1 of 1,614,226 alleles (0.000062%); highest among the groups gnomAD compares: Non-Finnish European, 0.000085%; no homozygotes.

Submission:

Labcorp Genetics (formerly Invitae), Labcorp
Classification: Uncertain significance for Familial hypocalciuric hypercalcemia; Autosomal dominant hypocalcemia 1. Last evaluated: 2024-03-06. Review status: criteria provided, single submitter. Criteria: Invitae Variant Classification Sherloc (09022015). Collection method: clinical testing. Allele origin: germline.
Comment: This sequence change replaces serine, which is neutral and polar, with glycine, which is neutral and non-polar, at codon 380 of the CASR protein (p.Ser380Gly). This variant is not present in population databases (gnomAD no frequency). This variant has not been reported in the literature in individuals affected with CASR-related conditions. ClinVar contains an entry for this variant (Variation ID: 960544). Algorithms developed to predict the effect of missense changes on protein structure and function output the following: SIFT: "Not Available"; PolyPhen-2: "Benign"; Align-GVGD: "Not Available". The glycine amino acid residue is found in multiple mammalian species, which suggests that this missense change does not adversely affect protein function. In summary, the available evidence is currently insufficient to determine the role of this variant in disease. Therefore, it has been classified as a Variant of Uncertain Significance.